The following is an entry in ClinVar:

ClinVar aggregate classification (germline): Pathogenic/Likely pathogenic. Review status: criteria provided, multiple submitters, no conflicts (2 of 4 stars). 3 submissions from 3 submitters: Pathogenic (2); Likely pathogenic (1). Last evaluated 2025-03-23.

Conditions:
Hereditary cancer-predisposing syndrome. Also called: Tumor predisposition; Hereditary Cancer Syndrome; Hereditary neoplastic syndrome; Neoplastic Syndromes, Hereditary. Identifiers: Orphanet 140162, MedGen C0027672, MeSH D009386, MONDO:0015356.
Familial adenomatous polyposis 2. Also called: COLORECTAL ADENOMATOUS POLYPOSIS, AUTOSOMAL RECESSIVE; MUTYH Polyposis; MUTYH-associated polyposis; MUTYH-related attenuated familial adenomatous polyposis; Adenomas, multiple colorectal; ADENOMAS, MULTIPLE COLORECTAL, AUTOSOMAL RECESSIVE. Identifiers: Orphanet 220460, Orphanet 247798, MedGen C3272841, MONDO:0012041, OMIM 608456.

Allele frequency attached by ClinVar (database versions not stated): gnomAD exomes below 0.00001.

Submissions (3):

Labcorp Genetics (formerly Invitae), Labcorp
Classification: Pathogenic for Familial adenomatous polyposis 2. Last evaluated: 2025-03-23. Review status: criteria provided, single submitter. Criteria: Invitae Variant Classification Sherloc (09022015). Collection method: clinical testing. Allele origin: germline.
Comment: This sequence change creates a premature translational stop signal (p.Glu423*) in the MUTYH gene. It is expected to result in an absent or disrupted protein product. Loss-of-function variants in MUTYH are known to be pathogenic (PMID: 18534194, 20663686). This variant is not present in population databases (gnomAD no frequency). This variant has not been reported in the literature in individuals affected with MUTYH-related conditions. ClinVar contains an entry for this variant (Variation ID: 406823). For these reasons, this variant has been classified as Pathogenic.

Ambry Genetics
Classification: Pathogenic for Hereditary cancer-predisposing syndrome. Last evaluated: 2023-07-17. Review status: criteria provided, single submitter. Criteria: Ambry Variant Classification Scheme 2023. Collection method: clinical testing. Allele origin: germline.
Comment: The p.E423* pathogenic mutation (also known as c.1267G>T), located in coding exon 13 of the MUTYH gene, results from a G to T substitution at nucleotide position 1267. This changes the amino acid from a glutamic acid to a stop codon within coding exon 13. This variant is considered to be rare based on population cohorts in the Genome Aggregation Database (gnomAD). This alteration is expected to result in loss of function by premature protein truncation or nonsense-mediated mRNA decay. As such, this alteration is interpreted as a disease-causing mutation.

Baylor Genetics
Classification: Likely pathogenic for Familial adenomatous polyposis 2. Last evaluated: 2023-03-09. Review status: criteria provided, single submitter. Criteria: ACMG Guidelines, 2015. Collection method: clinical testing. Allele origin: unknown.

Literature cited by the submitters: PubMed 18534194 (cited by Labcorp Genetics (formerly Invitae), Labcorp); PubMed 20663686 (cited by Labcorp Genetics (formerly Invitae), Labcorp).

NM_001048174.2(MUTYH):c.1183G>T (p.Glu395Ter)

Gene: MUTYH (mutY DNA glycosylase; minus strand). Cytogenetic location: 1p34.1.
Variant type: single nucleotide variant.
Coding change: c.1183G>T on transcript NM_001048174.2 (MANE Select); coding-DNA position 1183, G replaced by T.
Protein change: p.Glu395Ter; replaces glutamic acid 395 with a stop codon.
Molecular consequence: nonsense. On other transcripts: non-coding transcript variant (2).
Genome position (GRCh38, 1-based): chr1:45,331,476, C>A on the plus strand (G>T on the coding strand, the complement: MUTYH is on the minus strand). VCF-style: chr1-45331476-C-A. GRCh37 (hg19) VCF-style: chr1-45797148-C-A.
Other names: c.1183G>T, p.Glu395Ter (NM_001048171.2, NM_001048173.2, NM_001293195.2); c.1186G>T, p.Glu396Ter (NM_001048172.2); c.1267G>T, p.Glu423Ter (NM_001128425.2); c.1228G>T, p.Glu410Ter (NM_001293190.2); c.1216G>T, p.Glu406Ter (NM_001293191.2); c.907G>T, p.Glu303Ter (NM_001293192.2, NM_001293196.2); c.838G>T, p.Glu280Ter (NM_001350650.2, NM_001350651.2); c.1258G>T, p.Glu420Ter (NM_012222.3); short protein forms E423*, E396*, E406*, E280*, E395*, E410*, E420*, E303*.
Identifiers: ClinVar variation 406823 (VCV000406823.11), dbSNP rs1060501321, ClinGen allele CA16610132.